The following is an entry in ClinVar:

ClinVar aggregate classification (germline): Likely benign. Review status: criteria provided, multiple submitters, no conflicts (2 of 4 stars). 3 submissions from 3 submitters: Likely benign (3). Last evaluated 2024-02-01.

Conditions:
Generalized epilepsy-paroxysmal dyskinesia syndrome (PNKD3). Also called: Generalized epilepsy and paroxysmal dyskinesia; Paroxysmal nonkinesigenic dyskinesia, 3, with or without generalized epilepsy. Identifiers: Orphanet 79137, MedGen C5574945, MONDO:0012276, OMIM 609446.

Allele frequency attached by ClinVar (database versions not stated): gnomAD exomes 0.00001.

Submissions (3):

CeGaT Center for Human Genetics Tuebingen
Classification: Likely benign. Last evaluated: 2024-02-01. Review status: criteria provided, single submitter. Criteria: CeGaT Center For Human Genetics Tuebingen Variant Classification Criteria Version 2. Collection method: clinical testing. Allele origin: germline. Affected: yes. Observed: 2 variant alleles.
Comment: KCNMA1: BP4, BP7

Blueprint Genetics
Classification: Likely benign. Last evaluated: 2022-09-06. Review status: criteria provided, single submitter. Criteria: ACMG Guidelines, 2015. Collection method: clinical testing. Allele origin: germline.

Labcorp Genetics (formerly Invitae), Labcorp
Classification: Likely benign for Generalized epilepsy-paroxysmal dyskinesia syndrome. Last evaluated: 2022-06-20. Review status: criteria provided, single submitter. Criteria: Invitae Variant Classification Sherloc (09022015). Collection method: clinical testing. Allele origin: germline.

NM_001161352.2(KCNMA1):c.3207G>A (p.Thr1069=)

Genes: KCNMA1 (potassium calcium-activated channel subfamily M alpha 1; minus strand), KCNMA1-AS1 (KCNMA1 antisense RNA 1; plus strand). Cytogenetic location: 10q22.3.
Variant type: single nucleotide variant.
Coding change: c.3207G>A on transcript NM_001161352.2 (MANE Select); coding-DNA position 3207, G replaced by A.
Protein change: p.Thr1069=; no amino-acid change (threonine 1069 retained).
Molecular consequence: synonymous variant.
Genome position (GRCh38, 1-based): chr10:76,891,660, C>T on the plus strand (G>A on the coding strand, the complement: KCNMA1 is on the minus strand). VCF-style: chr10-76891660-C-T. GRCh37 (hg19) VCF-style: chr10-78651418-C-T.
Other names: c.3045G>A, p.Thr1015= (NM_001014797.3); c.3156G>A, p.Thr1052= (NM_001161353.2); c.2883G>A, p.Thr961= (NM_001271518.2); c.3123G>A, p.Thr1041= (NM_001271519.2); c.3042G>A, p.Thr1014= (NM_001322829.2, NM_001322836.2); c.3135G>A, p.Thr1045= (NM_001322830.2); c.3033G>A, p.Thr1011= (NM_001322832.2, NM_002247.4); c.3126G>A, p.Thr1042= (NM_001322835.2, NM_001322837.2); and 1 more.
Identifiers: ClinVar variation 1549417 (VCV001549417.33), dbSNP rs1298795044, ClinGen allele CA470506891.